The following is an entry in ClinVar:

ClinVar aggregate classification (germline): Uncertain significance (1 of 4 stars; one submission).

Submission:

CeGaT Center for Human Genetics Tuebingen
Classification: Uncertain significance. Last evaluated: 2022-06-01. Review status: criteria provided, single submitter. Criteria: CeGaT Center For Human Genetics Tuebingen Variant Classification Criteria Version 2. Collection method: clinical testing. Allele origin: germline. Affected: yes. Observed: 1 variant allele.
Comment: PDE1C: PM2

NM_001191057.4(PDE1C):c.586del (p.Tyr196fs)

Gene: PDE1C (phosphodiesterase 1C; minus strand). Cytogenetic location: 7p14.3.
Variant type: Deletion.
Coding change: c.586del on transcript NM_001191057.4 (MANE Select); coding-DNA position 586, one base deleted (T; older notation c.586delT).
Protein change: p.Tyr196fs; shifts the reading frame from tyrosine 196.
Molecular consequence: frameshift variant.
Genome position (GRCh38, 1-based): chr7:31,873,315, A deleted on the plus strand (T on the coding strand, the reverse complement: PDE1C is on the minus strand); the first of 2 consecutive A bases (chr7:31,873,315-31,873,316); deleting either gives the same sequence. VCF-style (leftmost placement, unchanged base first): chr7-31873314-TA-T. GRCh37 (hg19) VCF-style: chr7-31912927-TA-T.
Other names: c.586del, p.Tyr196fs (NM_001191056.3, NM_001191059.4, NM_001322055.2 and 3 more transcripts); c.766del, p.Tyr256fs (NM_001191058.4, NM_001322058.2); c.991del, p.Tyr331fs (NM_001322059.2); short protein forms Y196fs, Y256fs, Y331fs.
Identifiers: ClinVar variation 1695186 (VCV001695186.31), dbSNP rs2128864448, ClinGen allele CA2580077050.